The following is an entry in ClinVar:

ClinVar aggregate classification (germline): Uncertain significance (0 of 4 stars; one submission).

Conditions:
TTN-related disorder. Also called: TTN-related disorders; TTN-related condition; TTN-related disease.

Submission:

PreventionGenetics, part of Exact Sciences
Classification: Uncertain significance for TTN-related condition. Last evaluated: 2024-03-29. Review status: no assertion criteria provided. Collection method: clinical testing. Allele origin: germline.
Comment: The TTN c.48368A>G variant is predicted to result in the amino acid substitution p.Lys16123Arg. To our knowledge, this variant has not been reported in the literature or in a large population database, indicating this variant is rare. At this time, the clinical significance of this variant is uncertain due to the absence of conclusive functional and genetic evidence.

NM_001267550.2(TTN):c.48368A>G (p.Lys16123Arg)

Genes: TTN (titin; minus strand), TTN-AS1 (TTN antisense RNA 1; plus strand). Cytogenetic location: 2q31.2.
Variant type: single nucleotide variant.
Coding change: c.48368A>G on transcript NM_001267550.2 (MANE Select); coding-DNA position 48368, A replaced by G.
Protein change: p.Lys16123Arg; replaces lysine 16123 with arginine.
Molecular consequence: missense variant.
Genome position (GRCh38, 1-based): chr2:178,615,733, T>C on the plus strand (A>G on the coding strand, the complement: TTN is on the minus strand). VCF-style: chr2-178615733-T-C. GRCh37 (hg19) VCF-style: chr2-179480460-T-C.
Other names: c.43445A>G, p.Lys14482Arg (NM_001256850.1); c.21173A>G, p.Lys7058Arg (NM_003319.4); c.40664A>G, p.Lys13555Arg (NM_133378.4); c.21548A>G, p.Lys7183Arg (NM_133432.3); c.21749A>G, p.Lys7250Arg (NM_133437.4); short protein forms K13555R, K14482R, K16123R, K7058R, K7183R, K7250R.
Identifiers: ClinVar variation 3346431 (VCV003346431.1).
Genomic context (GRCh38, chr2:178,615,733, plus strand): 5'-ACATATGCAGGTTCTCCAGGGCCACATTTGTTACGAGCACAAACTTTAAATAAGTACTCT[T>C]TTCCTTGAACAAGATCAGGAACTGTGAATTCTAGATCAGTCACAAAGTCCATAACCTGGG-3'
Protein context (NP_001254479.2, residues 16113-16133): EFTVPDLVQG[Lys16123Arg]EYLFKVCARN